The following is an entry in ClinVar:

NM_002857.4(PEX19):c.*898A>G

Gene: PEX19 (peroxisomal biogenesis factor 19; minus strand). Cytogenetic location: 1q23.2.
Variant type: single nucleotide variant.
Coding change: c.*898A>G on transcript NM_002857.4 (MANE Select); 898 bases downstream of the stop codon, A replaced by G.
Molecular consequence: 3 prime UTR variant. On other transcripts: non-coding transcript variant (2).
Genome position (GRCh38, 1-based): chr1:160,278,653, T>C on the plus strand (A>G on the coding strand, the complement: PEX19 is on the minus strand). VCF-style: chr1-160278653-T-C. GRCh37 (hg19) VCF-style: chr1-160248443-T-C.
Other names: c.*906A>G (NM_001193644.1).
Identifiers: ClinVar variation 293214 (VCV000293214.6), dbSNP rs8989, ClinGen allele CA1197116.
Genomic context (GRCh38, chr1:160,278,653, plus strand): 5'-TCTAAGAGAATCATGTATCTCAAATAAGCCAGAATGTATCTGGGGAAGAATAGCCATTAA[T>C]TTCCTAGACCTGACACTGGGTTTATTTGTGTCTGCCAGGAAGACGGGGAGTCAGTGAGAA-3'

ClinVar aggregate classification (germline): Benign. Review status: criteria provided, multiple submitters, no conflicts (2 of 4 stars). 2 submissions from 2 submitters: Benign (2). Last evaluated 2018-01-13.

Conditions:
Peroxisome biogenesis disorder 12A (Zellweger). Also called: Peroxisome biogenesis disorder 12A. Identifiers: Orphanet 912, MedGen C3554002, MONDO:0013951, OMIM 614886.

Allele frequency attached by ClinVar (database versions not stated): gnomAD exomes 0.02314 and 0.02063; TOPMed 0.02116; ExAC 0.01189; 1000 Genomes Project 30x 0.01312; gnomAD 0.02159 and 0.02188; 1000 Genomes Project 0.01218.
gnomAD v4.1: 10,305 of 454,310 alleles (2.3%); highest among the groups gnomAD compares: Non-Finnish European, 3.3%; 164 homozygotes.

Submissions (2):

Illumina Laboratory Services, Illumina
Classification: Benign for Peroxisome biogenesis disorder 12A (Zellweger). Last evaluated: 2018-01-13. Review status: criteria provided, single submitter. Criteria: ICSL Variant Classification Criteria 13 December 2019. Collection method: clinical testing. Allele origin: germline.
Comment: This variant was observed in the ICSL laboratory as part of a predisposition screen in an ostensibly healthy population. It had not been previously curated by ICSL or reported in the Human Gene Mutation Database (HGMD: prior to June 1st, 2018), and was therefore a candidate for classification through an automated scoring system. Utilizing variant allele frequency, disease prevalence and penetrance estimates, and inheritance mode, an automated score was calculated to assess if this variant is too frequent to cause the disease. Based on the score and internal cut-off values, a variant classified as benign is not then subjected to further curation. The score for this variant resulted in a classification of benign for this disease.

Breakthrough Genomics
Classification: Benign. Review status: criteria provided, single submitter. Criteria: ACMG Guidelines, 2015. Collection method: not provided. Allele origin: germline. Inheritance: Autosomal recessive inheritance. Affected: yes.